The following is an entry in ClinVar:

ClinVar aggregate classification (germline): Likely benign. Review status: criteria provided, single submitter (1 of 4 stars). 2 submissions from 2 submitters: Likely benign (1). 1 of the submissions does not count toward it. Last evaluated 2025-12-30.

Conditions:
TRMU-related disorder. Also called: TRMU-related condition.

Allele frequency attached by ClinVar (database versions not stated): gnomAD exomes 0.00001; TOPMed 0.00003; gnomAD 0.00005; ExAC 0.00006; 1000 Genomes Project 30x 0.00016; 1000 Genomes Project 0.00020.
gnomAD v4.1: 16 of 1,558,194 alleles (0.001%); highest among the groups gnomAD compares: African/African-American, 0.0068%; no homozygotes.

Submissions (2):

Labcorp Genetics (formerly Invitae), Labcorp
Classification: Likely benign. Last evaluated: 2025-12-30. Review status: criteria provided, single submitter. Criteria: Invitae Variant Classification Sherloc (09022015). Collection method: clinical testing. Allele origin: germline.

PreventionGenetics, part of Exact Sciences
Classification: Likely benign for TRMU-related condition. Last evaluated: 2024-05-02. Review status: no assertion criteria provided. Collection method: clinical testing. Allele origin: germline. Not counted in ClinVar's aggregate classification.
Comment: This variant is classified as likely benign based on ACMG/AMP sequence variant interpretation guidelines (Richards et al. 2015 PMID: 25741868, with internal and published modifications).

NM_018006.5(TRMU):c.21C>T (p.Val7=)

Gene: TRMU (tRNA mitochondrial 2-thiouridylase; plus strand). Cytogenetic location: 22q13.31.
Variant type: single nucleotide variant.
Coding change: c.21C>T on transcript NM_018006.5 (MANE Select); coding-DNA position 21, C replaced by T.
Protein change: p.Val7=; no amino-acid change (valine 7 retained).
Molecular consequence: synonymous variant. On other transcripts: 5 prime UTR variant (3), non-coding transcript variant (2).
Genome position (GRCh38, 1-based): chr22:46,335,785, C>T. VCF-style: chr22-46335785-C-T. GRCh37 (hg19) VCF-style: chr22-46731682-C-T.
Other names: c.-215C>T (NM_001282782.2); c.-234C>T (NM_001282783.2, NM_001282784.2); c.21C>T, p.Val7= (NM_001282785.2); c.21C>T (NM_018006.4).
Identifiers: ClinVar variation 1097153 (VCV001097153.10), dbSNP rs547049690, ClinGen allele CA10291906.